The following is an entry in ClinVar:

ClinVar aggregate classification (germline): Uncertain significance. Review status: criteria provided, multiple submitters, no conflicts (2 of 4 stars). 2 submissions from 2 submitters: Uncertain significance (2). Last evaluated 2025-01-23.

Conditions:
Inborn genetic diseases. Identifiers: MedGen C0950123, MeSH D030342.
Amyotrophic lateral sclerosis type 8 (ALS8). Identifiers: Orphanet 803, MedGen C1837728, MONDO:0012077, OMIM 608627.
Adult-onset proximal spinal muscular atrophy, autosomal dominant. Also called: FINKEL LATE-ADULT TYPE SMA; Spinal muscular atrophy, late-onset, finkel type. Identifiers: Orphanet 209335, MedGen C1854058, MONDO:0008453, OMIM 182980.

Allele frequency attached by ClinVar (database versions not stated): gnomAD exomes below 0.00001; ExAC 0.00001; gnomAD 0.00003 and 0.00004; TOPMed 0.00005.
gnomAD v4.1: 10 of 1,613,984 alleles (0.00062%); highest among the groups gnomAD compares: African/African-American, 0.0067%; no homozygotes.

Submissions (2):

Labcorp Genetics (formerly Invitae), Labcorp
Classification: Uncertain significance for Adult-onset proximal spinal muscular atrophy, autosomal dominant; Amyotrophic lateral sclerosis type 8. Last evaluated: 2025-01-23. Review status: criteria provided, single submitter. Criteria: Invitae Variant Classification Sherloc (09022015). Collection method: clinical testing. Allele origin: germline.
Comment: This sequence change replaces lysine, which is basic and polar, with glutamic acid, which is acidic and polar, at codon 168 of the VAPB protein (p.Lys168Glu). This variant is present in population databases (rs774643393, gnomAD 0.008%). This variant has not been reported in the literature in individuals affected with VAPB-related conditions. ClinVar contains an entry for this variant (Variation ID: 842379). Invitae Evidence Modeling of protein sequence and biophysical properties (such as structural, functional, and spatial information, amino acid conservation, physicochemical variation, residue mobility, and thermodynamic stability) indicates that this missense variant is not expected to disrupt VAPB protein function with a negative predictive value of 80%. In summary, the available evidence is currently insufficient to determine the role of this variant in disease. Therefore, it has been classified as a Variant of Uncertain Significance.

Ambry Genetics
Classification: Uncertain significance for Inborn genetic diseases. Last evaluated: 2024-12-10. Review status: criteria provided, single submitter. Criteria: Ambry Variant Classification Scheme 2023. Collection method: clinical testing. Allele origin: germline.

NM_004738.5(VAPB):c.502A>G (p.Lys168Glu)

Gene: VAPB (VAMP associated protein B and C; plus strand). Cytogenetic location: 20q13.32.
Variant type: single nucleotide variant.
Coding change: c.502A>G on transcript NM_004738.5 (MANE Select); coding-DNA position 502, A replaced by G.
Protein change: p.Lys168Glu; replaces lysine 168 with glutamic acid.
Molecular consequence: missense variant. On other transcripts: non-coding transcript variant (1), intron variant (1).
Genome position (GRCh38, 1-based): chr20:58,441,012, A>G. VCF-style: chr20-58441012-A-G. GRCh37 (hg19) VCF-style: chr20-57016068-A-G.
Other names: c.212-3065A>G (NM_001195677.2); short protein forms K168E.
Identifiers: ClinVar variation 842379 (VCV000842379.13), dbSNP rs774643393, ClinGen allele CA9924274.